The following is an entry in ClinVar:

ClinVar aggregate classification (germline): Benign. Review status: criteria provided, single submitter (1 of 4 stars). 2 submissions from 2 submitters: Benign (1). 1 of the submissions does not count toward it. Last evaluated 2026-01-15.

Conditions:
NPC1-related disorder. Also called: NPC1-related condition.
Niemann-Pick disease, type C1. Also called: NIEMANN-PICK DISEASE, VARIANT TYPE C1; NEUROVISCERAL STORAGE DISEASE WITH VERTICAL SUPRANUCLEAR OPHTHALMOPLEGIA; NIEMANN-PICK DISEASE WITH CHOLESTEROL ESTERIFICATION BLOCK; NIEMANN-PICK DISEASE WITHOUT SPHINGOMYELINASE DEFICIENCY; NIEMANN-PICK DISEASE, CHRONIC NEURONOPATHIC FORM. Identifiers: Orphanet 646, MedGen C3179455, MONDO:0009757, OMIM 257220.

Submissions (3):

Labcorp Genetics (formerly Invitae), Labcorp
Classification: Benign for Niemann-Pick disease, type C1. Last evaluated: 2026-01-15. Review status: criteria provided, single submitter. Criteria: Invitae Variant Classification Sherloc (09022015). Collection method: clinical testing. Allele origin: germline.

PreventionGenetics, part of Exact Sciences
Classification: Likely benign for NPC1-related condition. Last evaluated: 2022-06-01. Review status: no assertion criteria provided. Collection method: clinical testing. Allele origin: germline. Not counted in ClinVar's aggregate classification.
Comment: This variant is classified as likely benign based on ACMG/AMP sequence variant interpretation guidelines (Richards et al. 2015 PMID: 25741868, with internal and published modifications).

Dr. Peter K. Rogan Lab, Western University
No classification provided (evidence only). Condition: Colon adenocarcinoma. Review status: no classification provided. Collection method: in vitro. Allele origin: not applicable. Functional consequence: retained intron. Not counted in ClinVar's aggregate classification.

NM_000271.5(NPC1):c.3755-16TC[5]

Gene: NPC1 (NPC intracellular cholesterol transporter 1; minus strand). Cytogenetic location: 18q11.2.
Variant type: Microsatellite.
Coding change: c.3755-16TC[5] on transcript NM_000271.5 (MANE Select); five copies in a row of the 2-base unit TC starting at c.3755-16; the reference has six copies in a row; one copy, 2 bases deleted.
Molecular consequence: intron variant.
Genome position (GRCh38, 1-based): chr18:23,532,289-23,532,290, GA deleted on the plus strand (TC on the coding strand, the reverse complement: NPC1 is on the minus strand); deleting any 2 consecutive bases within chr18:23,532,289-23,532,300 gives the same sequence; the position shown is the placement nearest the transcript's 3' end. VCF-style (leftmost placement, unchanged base first): chr18-23532288-TGA-T. GRCh37 (hg19) VCF-style: chr18-21112252-TGA-T.
Other names: NC_000018.9:g.21112263_21112264del; c.3755-16_3755-15del (NM_000271.5); c.3755-6_3755-5del (NM_000271.4).
Identifiers: ClinVar variation 326248 (VCV000326248.18), dbSNP rs760529810, ClinGen allele CA8912649.